The following is an entry in ClinVar:

ClinVar aggregate classification (germline): Uncertain significance. Review status: criteria provided, single submitter (1 of 4 stars). 2 submissions from 2 submitters: Uncertain significance (1). 1 of the submissions does not count toward it. Last evaluated 2024-08-22.

Conditions:
Polydactyly of a triphalangeal thumb. Also called: POLYDACTYLY OF TRIPHALANGEAL THUMB; Polydactyly, preaxial type II; TRIPHALANGEAL THUMB-POLYDACTYLY SYNDROME. Identifiers: Orphanet 2439, Orphanet 2950, Orphanet 93336, MedGen C1868114, MONDO:0008270, OMIM 174500.

Submissions (2):

Labcorp Genetics (formerly Invitae), Labcorp
Classification: Uncertain significance. Last evaluated: 2024-08-22. Review status: criteria provided, single submitter. Criteria: Invitae Variant Classification Sherloc (09022015). Collection method: clinical testing. Allele origin: germline.
Comment: This sequence change falls in intron 5 of the LMBR1 gene. It does not directly change the encoded amino acid sequence of the LMBR1 protein. This variant is not present in population databases (gnomAD no frequency). This variant has not been reported in the literature in individuals affected with LMBR1-related conditions. In summary, the available evidence is currently insufficient to determine the role of this variant in disease. Therefore, it has been classified as a Variant of Uncertain Significance.

OMIM
Classification: Pathogenic for POLYDACTYLY, PREAXIAL II. Last evaluated: 2009-07-01. Review status: no assertion criteria provided. Collection method: literature only. Allele origin: germline. Not counted in ClinVar's aggregate classification.

Literature cited by the submitters: PubMed 19519794 (cited by OMIM); PubMed 32169219 (cited by OMIM).

NM_022458.4(LMBR1):c.423+4909C>T

Genes: LMBR1 (limb development membrane protein 1; minus strand), ZRS (ZPA regulatory sequence; plus strand). Cytogenetic location: 7q36.3.
Variant type: single nucleotide variant.
Coding change: c.423+4909C>T on transcript NM_022458.4 (MANE Select); 4909 bases into the intron after coding-DNA position 423, C replaced by T.
Molecular consequence: intron variant.
Genome position (GRCh38, 1-based): chr7:156,791,480, G>A on the plus strand (C>T on the coding strand, the complement: LMBR1 is on the minus strand). VCF-style: chr7-156791480-G-A. GRCh37 (hg19) VCF-style: chr7-156584174-G-A.
Other names: 4909C-T; 396C-T; c.360+4909C>T (NM_001363412.2); c.144+4909C>T (NM_001350954.2); c.423+4909C>T (NM_001363410.2, NM_001363409.2, NM_001350953.2); c.-112+4909C>T (NM_001350958.2, NM_001350956.2, NM_001350955.2 and 1 more transcripts); c.54+4909C>T (NM_001350957.2, NM_001363411.2).
Identifiers: ClinVar variation 4907 (VCV000004907.6), dbSNP rs606231153, ClinGen allele CA117138.